The following is an entry in ClinVar:

NM_004408.4(DNM1):c.1906-3C>T

Gene: DNM1 (dynamin 1; plus strand). Cytogenetic location: 9q34.11.
Variant type: single nucleotide variant.
Coding change: c.1906-3C>T on transcript NM_004408.4 (MANE Select); 3 bases into the intron before coding-DNA position 1906, C replaced by T.
Molecular consequence: intron variant.
Genome position (GRCh38, 1-based): chr9:128,248,580, C>T. VCF-style: chr9-128248580-C-T. GRCh37 (hg19) VCF-style: chr9-131010859-C-T.
Other names: c.1906-3C>T (NM_001005336.3, NM_001374269.1, NM_001288738.2 and 2 more transcripts).
Identifiers: ClinVar variation 2876161 (VCV002876161.3), dbSNP rs1829312517, ClinGen allele CA1880211550.
Genomic context (GRCh38, chr9:128,248,580, plus strand): 5'-GGGGATGCCTGGAGCCTGGCTGCATGGCCTGGCCACCTGATGCCCTTGTGTTCTCCATGG[C>T]AGGCCAGCGAGACCGAGGAGAATGGCTCCGACAGCTTCATGCATTCCATGGACCCACAGC-3'

ClinVar aggregate classification (germline): Uncertain significance (1 of 4 stars; one submission).

Conditions:
Developmental and epileptic encephalopathy, 31A. Also called: Epileptic encephalopathy, early infantile, 31; Developmental and epileptic encephalopathy, 31. Identifiers: Orphanet 2382, MedGen C4225357, MONDO:0014598, OMIM 616346.

Allele frequency attached by ClinVar (database versions not stated): gnomAD exomes below 0.00001; TOPMed 0.00001.
gnomAD v4.1: 1 of 1,612,798 alleles (0.000062%); highest among the groups gnomAD compares: Non-Finnish European, 0.000085%; no homozygotes.

Submission:

Labcorp Genetics (formerly Invitae), Labcorp
Classification: Uncertain significance for Developmental and epileptic encephalopathy, 31A. Last evaluated: 2023-10-05. Review status: criteria provided, single submitter. Criteria: Invitae Variant Classification Sherloc (09022015). Collection method: clinical testing. Allele origin: germline.
Comment: This sequence change falls in intron 18 of the DNM1 gene. It does not directly change the encoded amino acid sequence of the DNM1 protein. It affects a nucleotide within the consensus splice site. This variant is not present in population databases (gnomAD no frequency). This variant has not been reported in the literature in individuals affected with DNM1-related conditions. Variants that disrupt the consensus splice site are a relatively common cause of aberrant splicing (PMID: 17576681, 9536098). Algorithms developed to predict the effect of sequence changes on RNA splicing suggest that this variant is not likely to affect RNA splicing. In summary, the available evidence is currently insufficient to determine the role of this variant in disease. Therefore, it has been classified as a Variant of Uncertain Significance.

Literature cited by the submitters: PubMed 17576681; PubMed 9536098.